The following is an entry in ClinVar:

ClinVar aggregate classification (germline): Uncertain significance (1 of 4 stars; one submission).

Conditions:
NPHP4-related disorder. Also called: NPHP4-related disorders; NPHP4-related condition. Identifiers: MedGen CN239384.

Submission:

PreventionGenetics, part of Exact Sciences
Classification: Uncertain significance for NPHP4-related condition. Last evaluated: 2025-08-04. Review status: criteria provided, single submitter. Criteria: ACMG Guidelines, 2015. Collection method: clinical testing. Allele origin: germline.
Comment: The NPHP4 c.2237C>A variant is predicted to result in the amino acid substitution p.Thr746Asn. To our knowledge, this variant has not been reported in the literature or in a large population database (gnomAD), indicating this variant is rare. At this time, the clinical significance of this variant is uncertain due to the absence of conclusive functional and genetic evidence.

NM_015102.5(NPHP4):c.2237C>A (p.Thr746Asn)

Gene: NPHP4 (nephrocystin 4; minus strand). Cytogenetic location: 1p36.31.
Variant type: single nucleotide variant.
Coding change: c.2237C>A on transcript NM_015102.5 (MANE Select); coding-DNA position 2237, C replaced by A.
Protein change: p.Thr746Asn; replaces threonine 746 with asparagine.
Molecular consequence: missense variant. On other transcripts: non-coding transcript variant (1).
Genome position (GRCh38, 1-based): chr1:5,890,935, G>T on the plus strand (C>A on the coding strand, the complement: NPHP4 is on the minus strand). VCF-style: chr1-5890935-G-T. GRCh37 (hg19) VCF-style: chr1-5950995-G-T.
Other names: c.698C>A, p.Thr233Asn (NM_001291593.2); c.701C>A, p.Thr234Asn (NM_001291594.2); short protein forms T233N, T746N, T234N.
Identifiers: ClinVar variation 4997923 (VCV004997923.1).